The following is an entry in ClinVar:

ClinVar aggregate classification (germline): Likely benign (1 of 4 stars; one submission).

Allele frequency attached by ClinVar (database versions not stated): gnomAD 0.00007; TOPMed 0.00007; ESP Exome Variant Server 0.00015; 1000 Genomes Project 30x 0.00016.
gnomAD v4.1: 63 of 1,614,162 alleles (0.0039%); highest among the groups gnomAD compares: South Asian, 0.027%; no homozygotes.

Submission:

CeGaT Center for Human Genetics Tuebingen
Classification: Likely benign. Last evaluated: 2022-11-01. Review status: criteria provided, single submitter. Criteria: CeGaT Center For Human Genetics Tuebingen Variant Classification Criteria Version 2. Collection method: clinical testing. Allele origin: germline. Affected: yes. Observed: 1 variant allele.
Comment: SLC20A1: BP4, BP7

NM_005415.5(SLC20A1):c.1140C>T (p.Thr380=)

Gene: SLC20A1 (solute carrier family 20 member 1; plus strand). Cytogenetic location: 2q14.1.
Variant type: single nucleotide variant.
Coding change: c.1140C>T on transcript NM_005415.5 (MANE Select); coding-DNA position 1140, C replaced by T.
Protein change: p.Thr380=; no amino-acid change (threonine 380 retained).
Molecular consequence: synonymous variant.
Genome position (GRCh38, 1-based): chr2:112,659,295, C>T. VCF-style: chr2-112659295-C-T. GRCh37 (hg19) VCF-style: chr2-113416872-C-T.
Identifiers: ClinVar variation 2651283 (VCV002651283.24), dbSNP rs376731717, ClinGen allele CA1835998.